The following is an entry in ClinVar:

NM_021096.4(CACNA1I):c.1780G>T (p.Ala594Ser)

Gene: CACNA1I (calcium voltage-gated channel subunit alpha1 I; plus strand). Cytogenetic location: 22q13.1.
Variant type: single nucleotide variant.
Coding change: c.1780G>T on transcript NM_021096.4 (MANE Select); coding-DNA position 1780, G replaced by T.
Protein change: p.Ala594Ser; replaces alanine 594 with serine.
Molecular consequence: missense variant.
Genome position (GRCh38, 1-based): chr22:39,649,713, G>T. VCF-style: chr22-39649713-G-T. GRCh37 (hg19) VCF-style: chr22-40045718-G-T.
Other names: c.1675G>T, p.Ala559Ser (NM_001003406.2); short protein forms A594S, A559S.
Identifiers: ClinVar variation 712875 (VCV000712875.6), dbSNP rs59010602, ClinGen allele CA10243935.

ClinVar aggregate classification (germline): Likely benign. Review status: criteria provided, multiple submitters, no conflicts (2 of 4 stars). 3 submissions from 3 submitters: Likely benign (3). Last evaluated 2025-11-26.

Conditions:
CACNA1I-related disorder. Also called: CACNA1I-related condition.

Allele frequency attached by ClinVar (database versions not stated): ESP Exome Variant Server 0.00113; gnomAD 0.00115; TOPMed 0.00161; 1000 Genomes Project 30x 0.00172; 1000 Genomes Project 0.00180.
gnomAD v4.1: 455 of 1,530,846 alleles (0.03%); highest among the groups gnomAD compares: African/African-American, 0.52%; 1 homozygote.

Submissions (3):

PreventionGenetics, part of Exact Sciences
Classification: Likely benign for CACNA1I-related condition. Last evaluated: 2025-11-26. Review status: criteria provided, single submitter. Criteria: ACMG Guidelines, 2015. Collection method: clinical testing. Allele origin: germline.
Comment: This variant is classified as likely benign based on ACMG/AMP sequence variant interpretation guidelines (Richards et al. 2015 PMID: 25741868, with internal and published modifications).

Labcorp Genetics (formerly Invitae), Labcorp
Classification: Likely benign. Last evaluated: 2019-12-31. Review status: criteria provided, single submitter. Criteria: Invitae Variant Classification Sherloc (09022015). Collection method: clinical testing. Allele origin: germline.

Breakthrough Genomics
Classification: Likely benign. Review status: criteria provided, single submitter. Criteria: ACMG Guidelines, 2015. Collection method: not provided. Allele origin: germline. Inheritance: Autosomal dominant inheritance. Affected: yes.